The following is an entry in ClinVar:

ClinVar aggregate classification (germline): Uncertain significance (1 of 4 stars; one submission).

Submission:

GeneDx
Classification: Uncertain significance. Last evaluated: 2026-02-18. Review status: criteria provided, single submitter. Criteria: GeneDx Variant Classification Process June 2021. Collection method: clinical testing. Allele origin: germline.
Comment: Not observed at significant frequency in large population cohorts (gnomAD); In silico analysis supports that this missense variant has a deleterious effect on protein structure/function; Has not been previously published as pathogenic or benign to our knowledge

NM_005618.4(DLL1):c.562T>C (p.Cys188Arg)

Gene: DLL1 (delta like canonical Notch ligand 1; minus strand). Cytogenetic location: 6q27.
Variant type: single nucleotide variant.
Coding change: c.562T>C on transcript NM_005618.4 (MANE Select); coding-DNA position 562, T replaced by C.
Protein change: p.Cys188Arg; replaces cysteine 188 with arginine.
Molecular consequence: missense variant.
Genome position (GRCh38, 1-based): chr6:170,288,347, A>G on the plus strand (T>C on the coding strand, the complement: DLL1 is on the minus strand). VCF-style: chr6-170288347-A-G. GRCh37 (hg19) VCF-style: chr6-170597435-A-G.
Other names: short protein forms C188R.
Identifiers: ClinVar variation 5009353 (VCV005009353.1).